The following is an entry in ClinVar:

NM_002661.5(PLCG2):c.2055-9_2055-8delinsAC

Gene: PLCG2 (phospholipase C gamma 2; plus strand). Cytogenetic location: 16q23.3.
Variant type: Indel.
Coding change: c.2055-9_2055-8delinsAC on transcript NM_002661.5 (MANE Select); 9 bases into the intron before coding-DNA position 2055 through 8 bases into the intron before coding-DNA position 2055, CT replaced by AC.
Molecular consequence: intron variant.
Genome position (GRCh38, 1-based): chr16:81,919,475-81,919,476, CT replaced by AC. VCF-style: chr16-81919475-CT-AC. GRCh37 (hg19) VCF-style: chr16-81953080-CT-AC.
Other names: c.2055-9_2055-8delinsAC (NM_001425751.1, NM_001425749.1, NM_001425750.1).
Identifiers: ClinVar variation 3700124 (VCV003700124.2).

ClinVar aggregate classification (germline): Uncertain significance (1 of 4 stars; one submission).

Conditions:
Familial cold autoinflammatory syndrome 3 (FCAS3). Also called: ANTIBODY DEFICIENCY AND IMMUNE DYSREGULATION, PLCG2-ASSOCIATED; FAMILIAL ATYPICAL COLD URTICARIA. Identifiers: Orphanet 300359, MedGen C3280914, MONDO:0013766, OMIM 614468.

Submission:

Labcorp Genetics (formerly Invitae), Labcorp
Classification: Uncertain significance for Familial cold autoinflammatory syndrome 3. Last evaluated: 2024-08-11. Review status: criteria provided, single submitter. Criteria: Invitae Variant Classification Sherloc (09022015). Collection method: clinical testing. Allele origin: germline.
Comment: This sequence change falls in intron 19 of the PLCG2 gene. It does not directly change the encoded amino acid sequence of the PLCG2 protein. Information on the frequency of this variant in the gnomAD database is not available, as this variant may be reported differently in the database. This variant has not been reported in the literature in individuals affected with PLCG2-related conditions. Experimental studies and prediction algorithms are not available or were not evaluated, and the effect of this variant on mRNA splicing is currently unknown. In summary, the available evidence is currently insufficient to determine the role of this variant in disease. Therefore, it has been classified as a Variant of Uncertain Significance.